The following is an entry in ClinVar:

NM_000334.4(SCN4A):c.164G>A (p.Arg55Gln)

Gene: SCN4A (sodium voltage-gated channel alpha subunit 4; minus strand). Cytogenetic location: 17q23.3.
Variant type: single nucleotide variant.
Coding change: c.164G>A on transcript NM_000334.4 (MANE Select); coding-DNA position 164, G replaced by A.
Protein change: p.Arg55Gln; replaces arginine 55 with glutamine.
Molecular consequence: missense variant.
Genome position (GRCh38, 1-based): chr17:63,972,678, C>T on the plus strand (G>A on the coding strand, the complement: SCN4A is on the minus strand). VCF-style: chr17-63972678-C-T. GRCh37 (hg19) VCF-style: chr17-62050038-C-T.
Other names: short protein forms R55Q.
Identifiers: ClinVar variation 854115 (VCV000854115.11), dbSNP rs376523210, ClinGen allele CA8710266.

ClinVar aggregate classification (germline): Uncertain significance. Review status: criteria provided, multiple submitters, no conflicts (2 of 4 stars). 2 submissions from 2 submitters: Uncertain significance (2). Last evaluated 2024-04-07.

Conditions:
Hyperkalemic periodic paralysis. Also called: Familial hyperkalemic periodic paralysis; Gamstorp disease. Identifiers: Orphanet 682, MedGen C0238357, MONDO:0008224, OMIM 170500, HP:0007215.
Congenital myopathy 22A, classic (CMYO22A). Identifiers: MedGen C5830453, MONDO:0957247, OMIM 620351.
Congenital myopathy 22B, severe fetal (CMYO22B). Identifiers: MedGen C5830501, MONDO:0957265, OMIM 620369.
Paramyotonia congenita of Von Eulenburg. Also called: Eulenburg disease; Myotonia congenita intermittens; Von Eulenburg paramyotonia congenita; Paramyotonia Congenita; PARALYSIS PERIODICA PARAMYOTONICA. Identifiers: Orphanet 684, MedGen C0221055, MONDO:0008195, OMIM 168300. Disease mechanism: loss of function.
Hypokalemic periodic paralysis, type 2 (HOKPP2). Identifiers: Orphanet 681, MedGen C2750061, MONDO:0013234, OMIM 613345.
Potassium-aggravated myotonia. Also called: MYOTONIA CONGENITA, ACETAZOLAMIDE-RESPONSIVE; MYOTONIA CONGENITA, ATYPICAL; SODIUM CHANNEL MUSCLE DISEASE; Myotonia congenita, atypical, acetazolamide-responsive. Identifiers: Orphanet 612, Orphanet 99734, Orphanet 99735, Orphanet 99736, MedGen C2931826, MONDO:0018959, OMIM 608390.
Congenital myasthenic syndrome 16. Identifiers: Orphanet 590, MedGen C3280112, MONDO:0013620, OMIM 614198.

Allele frequency attached by ClinVar (database versions not stated): gnomAD exomes 0.00001; gnomAD 0.00002; ESP Exome Variant Server 0.00008; ExAC 0.00001; TOPMed 0.00004.

Submissions (2):

Fulgent Genetics
Classification: Uncertain significance for Paramyotonia congenita of Von Eulenburg; Hyperkalemic periodic paralysis; Potassium-aggravated myotonia; Hypokalemic periodic paralysis, type 2; Congenital myasthenic syndrome 16; Congenital myopathy 22A, classic; Congenital myopathy 22B, severe fetal. Last evaluated: 2024-04-07. Review status: criteria provided, single submitter. Criteria: ACMG Guidelines, 2015. Collection method: clinical testing. Allele origin: germline.

Labcorp Genetics (formerly Invitae), Labcorp
Classification: Uncertain significance for Hyperkalemic periodic paralysis. Last evaluated: 2023-07-30. Review status: criteria provided, single submitter. Criteria: Invitae Variant Classification Sherloc (09022015). Collection method: clinical testing. Allele origin: germline.
Comment: This sequence change replaces arginine, which is basic and polar, with glutamine, which is neutral and polar, at codon 55 of the SCN4A protein (p.Arg55Gln). This variant is present in population databases (rs376523210, gnomAD 0.008%). This variant has not been reported in the literature in individuals affected with SCN4A-related conditions. ClinVar contains an entry for this variant (Variation ID: 854115). Advanced modeling of protein sequence and biophysical properties (such as structural, functional, and spatial information, amino acid conservation, physicochemical variation, residue mobility, and thermodynamic stability) performed at Invitae indicates that this missense variant is not expected to disrupt SCN4A protein function. In summary, the available evidence is currently insufficient to determine the role of this variant in disease. Therefore, it has been classified as a Variant of Uncertain Significance.